The following is an entry in ClinVar:

ClinVar aggregate classification (germline): Uncertain significance. Review status: criteria provided, multiple submitters, no conflicts (2 of 4 stars). 2 submissions from 2 submitters: Uncertain significance (2). Last evaluated 2025-06-19.

Conditions:
Inborn genetic diseases. Identifiers: MedGen C0950123, MeSH D030342.

gnomAD v4.1: 11 of 1,613,954 alleles (0.00068%); highest among the groups gnomAD compares: African/African-American, 0.015%; no homozygotes.

Submissions (2):

Ambry Genetics
Classification: Uncertain significance for Inborn genetic diseases. Last evaluated: 2025-06-19. Review status: criteria provided, single submitter. Criteria: Ambry Variant Classification Scheme 2023. Collection method: clinical testing. Allele origin: germline.

Labcorp Genetics (formerly Invitae), Labcorp
Classification: Uncertain significance. Last evaluated: 2024-02-17. Review status: criteria provided, single submitter. Criteria: Invitae Variant Classification Sherloc (09022015). Collection method: clinical testing. Allele origin: germline.
Comment: This sequence change replaces alanine, which is neutral and non-polar, with valine, which is neutral and non-polar, at codon 4965 of the FAT4 protein (p.Ala4965Val). This variant is present in population databases (rs369517938, gnomAD 0.02%). This variant has not been reported in the literature in individuals affected with FAT4-related conditions. Advanced modeling of protein sequence and biophysical properties (such as structural, functional, and spatial information, amino acid conservation, physicochemical variation, residue mobility, and thermodynamic stability) performed at Invitae indicates that this missense variant is not expected to disrupt FAT4 protein function with a negative predictive value of 95%. In summary, the available evidence is currently insufficient to determine the role of this variant in disease. Therefore, it has been classified as a Variant of Uncertain Significance.

NM_001291303.3(FAT4):c.14900C>T (p.Ala4967Val)

Gene: FAT4 (FAT atypical cadherin 4; plus strand). Cytogenetic location: 4q28.1.
Variant type: single nucleotide variant.
Coding change: c.14900C>T on transcript NM_001291303.3 (MANE Select); coding-DNA position 14900, C replaced by T.
Protein change: p.Ala4967Val; replaces alanine 4967 with valine.
Molecular consequence: missense variant.
Genome position (GRCh38, 1-based): chr4:125,491,716, C>T. VCF-style: chr4-125491716-C-T. GRCh37 (hg19) VCF-style: chr4-126412871-C-T.
Other names: c.14897C>T, p.Ala4966Val (NM_001291285.3); c.14894C>T, p.Ala4965Val (NM_024582.6); c.14894C>T (NM_024582.4); short protein forms A4965V, A4966V, A4967V.
Identifiers: ClinVar variation 3621607 (VCV003621607.2).